The following is an entry in ClinVar:

ClinVar aggregate classification (germline): Uncertain significance (1 of 4 stars; one submission).

Conditions:
Developmental and epileptic encephalopathy, 1 (DEE1). Also called: INFANTILE SPASM SYNDROME, X-LINKED 1; X-linked infantile spasms; West's syndrome; Tonic spasms with clustering, arrest of psychomotor development and hypsarrhythmia on EEG; X-Linked Infantile Spasm Syndrome; OHTAHARA SYNDROME, X-LINKED. Identifiers: MedGen C3463992, MONDO:0010632, OMIM 308350. Disease mechanism: loss of function.
Intellectual disability, X-linked, with or without seizures, ARX-related. Also called: MENTAL RETARDATION, X-LINKED 29; MENTAL RETARDATION, X-LINKED 32; MENTAL RETARDATION, X-LINKED 33; MENTAL RETARDATION, X-LINKED 38; MENTAL RETARDATION, X-LINKED 43; MENTAL RETARDATION, X-LINKED 76. Identifiers: Orphanet 777, MedGen C0796244, MONDO:0010317, OMIM 300419.

Submission:

Labcorp Genetics (formerly Invitae), Labcorp
Classification: Uncertain significance for Developmental and epileptic encephalopathy, 1; Intellectual disability, X-linked, with or without seizures, ARX-related. Last evaluated: 2024-10-20. Review status: criteria provided, single submitter. Criteria: Invitae Variant Classification Sherloc (09022015). Collection method: clinical testing. Allele origin: germline.
Comment: This sequence change replaces valine, which is neutral and non-polar, with leucine, which is neutral and non-polar, at codon 64 of the ARX protein (p.Val64Leu). This variant is not present in population databases (gnomAD no frequency). This variant has not been reported in the literature in individuals affected with ARX-related conditions. Invitae Evidence Modeling of protein sequence and biophysical properties (such as structural, functional, and spatial information, amino acid conservation, physicochemical variation, residue mobility, and thermodynamic stability) indicates that this missense variant is not expected to disrupt ARX protein function with a negative predictive value of 95%. In summary, the available evidence is currently insufficient to determine the role of this variant in disease. Therefore, it has been classified as a Variant of Uncertain Significance.

NM_139058.3(ARX):c.190G>T (p.Val64Leu)

Gene: ARX (aristaless related homeobox; minus strand). Cytogenetic location: Xp21.3.
Variant type: single nucleotide variant.
Coding change: c.190G>T on transcript NM_139058.3 (MANE Select); coding-DNA position 190, G replaced by T.
Protein change: p.Val64Leu; replaces valine 64 with leucine.
Molecular consequence: missense variant.
Genome position (GRCh38, 1-based): chrX:25,015,548, C>A on the plus strand (G>T on the coding strand, the complement: ARX is on the minus strand). VCF-style: chrX-25015548-C-A. GRCh37 (hg19) VCF-style: chrX-25033665-C-A.
Other names: short protein forms V64L.
Identifiers: ClinVar variation 3753788 (VCV003753788.2).
Genomic context (GRCh38, chrX:25,015,548, plus strand): 5'-CATCCAAATCAGGGCCCAATGCCCTTAGTAAGTGCCTGACGGGAGCATCCTTACCTTGCA[C>A]GGCCTTTTCCGGGTCGGCGCGGCTGGTCAGCGGAGCAGGCAAGCTCTGCGCGGCTCCCAG-3'
Protein context (NP_620689.1, residues 54-74): LTSRADPEKA[Val64Leu]QGSPKSSSAP